The following is an entry in ClinVar:

NM_001378615.1(CC2D2A):c.2895G>A (p.Arg965=)

Genes: CC2D2A (coiled-coil and C2 domain containing 2A; plus strand), FBXL5 (F-box and leucine rich repeat protein 5; minus strand). Cytogenetic location: 4p15.32.
Variant type: single nucleotide variant.
Coding change: c.2895G>A on transcript NM_001378615.1 (MANE Select); coding-DNA position 2895, G replaced by A.
Protein change: p.Arg965=; no amino-acid change (arginine 965 retained).
Molecular consequence: synonymous variant.
Genome position (GRCh38, 1-based): chr4:15,559,230, G>A. VCF-style: chr4-15559230-G-A. GRCh37 (hg19) VCF-style: chr4-15560853-G-A.
Other names: c.2895G>A, p.Arg965= (NM_001080522.2); c.2748G>A, p.Arg916= (NM_001378617.1).
Identifiers: ClinVar variation 2187853 (VCV002187853.6), dbSNP rs1189706886, ClinGen allele CA438382403.

ClinVar aggregate classification (germline): Likely benign. Review status: criteria provided, single submitter (1 of 4 stars). 2 submissions from 2 submitters: Likely benign (1). 1 of the submissions does not count toward it. Last evaluated 2025-10-02.

Conditions:
CC2D2A-related disorder. Also called: CC2D2A-related disorders; CC2D2A-related condition. Identifiers: MedGen CN239313.
Joubert syndrome. Also called: JOUBERT-BOLTSHAUSER SYNDROME; Familial aplasia of the vermis. Identifiers: Orphanet 475, MedGen C5979921, MONDO:0018772.
Meckel-Gruber syndrome. Also called: DYSENCEPHALIA SPLANCHNOCYSTICA; GRUBER SYNDROME; Dysencephalia splachnocystica. Identifiers: Orphanet 564, MedGen C0265215, MONDO:0018921.

Allele frequency attached by ClinVar (database versions not stated): TOPMed below 0.00001; gnomAD exomes 0.00001; gnomAD 0.00002.
gnomAD v4.1: 13 of 1,552,938 alleles (0.00084%); highest among the groups gnomAD compares: Non-Finnish European, 0.0011%; no homozygotes.

Submissions (2):

Labcorp Genetics (formerly Invitae), Labcorp
Classification: Likely benign for Joubert syndrome; Meckel-Gruber syndrome. Last evaluated: 2025-10-02. Review status: criteria provided, single submitter. Criteria: Invitae Variant Classification Sherloc (09022015). Collection method: clinical testing. Allele origin: germline.

PreventionGenetics, part of Exact Sciences
Classification: Likely benign for CC2D2A-related condition. Last evaluated: 2023-09-21. Review status: no assertion criteria provided. Collection method: clinical testing. Allele origin: germline. Not counted in ClinVar's aggregate classification.
Comment: This variant is classified as likely benign based on ACMG/AMP sequence variant interpretation guidelines (Richards et al. 2015 PMID: 25741868, with internal and published modifications).